The following is an entry in ClinVar:

NM_024426.6(WT1):c.662-13G>A

Gene: WT1 (WT1 transcription factor; minus strand). Cytogenetic location: 11p13.
Variant type: single nucleotide variant.
Coding change: c.662-13G>A on transcript NM_024426.6 (MANE Select); 13 bases into the intron before coding-DNA position 662, G replaced by A.
Molecular consequence: intron variant.
Genome position (GRCh38, 1-based): chr11:32,428,632, C>T on the plus strand (G>A on the coding strand, the complement: WT1 is on the minus strand). VCF-style: chr11-32428632-C-T. GRCh37 (hg19) VCF-style: chr11-32450178-C-T.
Other names: c.662-574G>A (NM_001407050.1, NM_001407047.1); c.662-13G>A (NM_001407048.1, NM_001407049.1, NM_000378.6 and 4 more transcripts); c.-101-13G>A (NM_001407051.1); c.11-13G>A (NM_001198552.2, NM_001198551.2).
Identifiers: ClinVar variation 2094393 (VCV002094393.5), dbSNP rs768792358, ClinGen allele CA2574790454.

ClinVar aggregate classification (germline): Likely benign. Review status: criteria provided, multiple submitters, no conflicts (2 of 4 stars). 2 submissions from 2 submitters: Likely benign (2). Last evaluated 2024-10-23.

Conditions:
Drash syndrome (DDS). Also called: NEPHROPATHY, WILMS TUMOR, AND GENITAL ANOMALIES; WILMS TUMOR AND PSEUDO- OR TRUE HERMAPHRODITISM. Identifiers: Orphanet 220, MedGen C0950121, MONDO:0008682, OMIM 194080.
Frasier syndrome. Identifiers: Orphanet 347, MedGen C0950122, MeSH D052159, MONDO:0007635, OMIM 136680.
Wilms tumor 1 (WT1). Also called: Wilms tumor, somatic. Identifiers: Orphanet 654, MedGen CN033288, MONDO:0008679, OMIM 194070.
11p partial monosomy syndrome (WAGR). Also called: CHROMOSOME 11p13 DELETION SYNDROME; WAGR syndrome; WAGR Complex; WAGR Spectrum Disorder. Identifiers: Orphanet 893, MedGen C0206115, MONDO:0008681, OMIM 194072.

Allele frequency attached by ClinVar (database versions not stated): gnomAD exomes below 0.00001.
gnomAD v4.1: 1 of 1,610,906 alleles (0.000062%); highest among the groups gnomAD compares: Non-Finnish European, 0.000085%; no homozygotes.

Submissions (2):

Labcorp Genetics (formerly Invitae), Labcorp
Classification: Likely benign for Wilms tumor 1; Drash syndrome; 11p partial monosomy syndrome; Frasier syndrome. Last evaluated: 2024-10-23. Review status: criteria provided, single submitter. Criteria: Invitae Variant Classification Sherloc (09022015). Collection method: clinical testing. Allele origin: germline.

All of Us Research Program, National Institutes of Health
Classification: Likely benign for Wilms tumor 1. Last evaluated: 2023-11-20. Review status: criteria provided, single submitter. Criteria: ACMG Guidelines, 2015. Collection method: clinical testing. Allele origin: germline. Inheritance: Autosomal dominant inheritance. Observed: 1 variant allele, 1 heterozygote.
Comment: This study involves interpretation of variants in research participants for the purpose of population health screening. Participant phenotype was not available at the time of variant classification. Additional details can be found in publication PMID: 35346344, PMCID: PMC8962531